The following is an entry in ClinVar:

ClinVar aggregate classification (germline): Uncertain significance. Review status: criteria provided, multiple submitters, no conflicts (2 of 4 stars). 2 submissions from 2 submitters: Uncertain significance (2). Last evaluated 2025-10-15.

Allele frequency attached by ClinVar (database versions not stated): TOPMed below 0.00001; ExAC 0.00002.

Submissions (2):

Ambry Genetics
Classification: Uncertain significance. Last evaluated: 2025-10-15. Review status: criteria provided, single submitter. Criteria: Ambry Variant Classification Scheme 2023. Collection method: clinical testing. Allele origin: germline.
Comment: The p.Y219C variant (also known as c.656A>G), located in coding exon 7 of the FAM175A gene, results from an A to G substitution at nucleotide position 656. The tyrosine at codon 219 is replaced by cysteine, an amino acid with highly dissimilar properties. This amino acid position is conserved. In addition, the in silico prediction for this alteration is inconclusive. Since supporting evidence is limited at this time, the clinical significance of this alteration remains unclear.

Labcorp Genetics (formerly Invitae), Labcorp
Classification: Uncertain significance. Last evaluated: 2022-03-12. Review status: criteria provided, single submitter. Criteria: Invitae Variant Classification Sherloc (09022015). Collection method: clinical testing. Allele origin: germline.
Comment: This sequence change replaces tyrosine, which is neutral and polar, with cysteine, which is neutral and slightly polar, at codon 219 of the ABRAXAS1 protein (p.Tyr219Cys). This variant is not present in population databases (gnomAD no frequency). This variant has not been reported in the literature in individuals affected with ABRAXAS1-related conditions. Algorithms developed to predict the effect of missense changes on protein structure and function are either unavailable or do not agree on the potential impact of this missense change (SIFT: "Deleterious"; PolyPhen-2: "Benign"; Align-GVGD: "Class C15"). In summary, the available evidence is currently insufficient to determine the role of this variant in disease. Therefore, it has been classified as a Variant of Uncertain Significance.

NM_139076.3(ABRAXAS1):c.656A>G (p.Tyr219Cys)

Gene: ABRAXAS1 (abraxas 1, BRCA1 A complex subunit; minus strand). Cytogenetic location: 4q21.23.
Variant type: single nucleotide variant.
Coding change: c.656A>G on transcript NM_139076.3 (MANE Select); coding-DNA position 656, A replaced by G.
Protein change: p.Tyr219Cys; replaces tyrosine 219 with cysteine.
Molecular consequence: missense variant.
Genome position (GRCh38, 1-based): chr4:83,467,479, T>C on the plus strand (A>G on the coding strand, the complement: ABRAXAS1 is on the minus strand). VCF-style: chr4-83467479-T-C. GRCh37 (hg19) VCF-style: chr4-84388632-T-C.
Other names: c.329A>G, p.Tyr110Cys (NM_001345962.2); short protein forms Y110C, Y219C.
Identifiers: ClinVar variation 1980919 (VCV001980919.7), dbSNP rs768405316, ClinGen allele CA2990491.